The following is an entry in ClinVar:

NM_000127.3(EXT1):c.1335G>A (p.Trp445Ter)

Gene: EXT1 (exostosin glycosyltransferase 1; minus strand). Cytogenetic location: 8q24.11.
Variant type: single nucleotide variant.
Coding change: c.1335G>A on transcript NM_000127.3 (MANE Select); coding-DNA position 1335, G replaced by A.
Protein change: p.Trp445Ter; replaces tryptophan 445 with a stop codon.
Molecular consequence: nonsense.
Genome position (GRCh38, 1-based): chr8:117,822,547, C>T on the plus strand (G>A on the coding strand, the complement: EXT1 is on the minus strand). VCF-style: chr8-117822547-C-T. GRCh37 (hg19) VCF-style: chr8-118834786-C-T.
Other names: short protein forms W445*.
Identifiers: ClinVar variation 950679 (VCV000950679.9), dbSNP rs1811942574, ClinGen allele CA371887933.

ClinVar aggregate classification (germline): Pathogenic (1 of 4 stars; one submission).

Conditions:
Multiple congenital exostosis (EXT). Also called: MULTIPLE CARTILAGINOUS EXOSTOSES; Multiple exostoses; Hereditary multiple exostoses; Hereditary multiple exostosis; Multiple osteochondromas; Hereditary multiple osteochondromas. Identifiers: Orphanet 321, MedGen C0015306, MONDO:0005508, HP:0002762.

Submission:

Labcorp Genetics (formerly Invitae), Labcorp
Classification: Pathogenic for Multiple congenital exostosis. Last evaluated: 2024-04-04. Review status: criteria provided, single submitter. Criteria: Invitae Variant Classification Sherloc (09022015). Collection method: clinical testing. Allele origin: germline.
Comment: This sequence change creates a premature translational stop signal (p.Trp445*) in the EXT1 gene. It is expected to result in an absent or disrupted protein product. Loss-of-function variants in EXT1 are known to be pathogenic (PMID: 10679937, 11391482, 19810120). This variant is not present in population databases (gnomAD no frequency). This premature translational stop signal has been observed in individual(s) with multiple osteochondromas (PMID: 29529714). ClinVar contains an entry for this variant (Variation ID: 950679). For these reasons, this variant has been classified as Pathogenic.

Literature cited by the submitters: PubMed 10679937; PubMed 11391482; PubMed 19810120; PubMed 29529714.